The following is an entry in ClinVar:

ClinVar aggregate classification (germline): Uncertain significance (1 of 4 stars; one submission).

Allele frequency attached by ClinVar (database versions not stated): ExAC 0.00001; gnomAD exomes below 0.00001.
gnomAD v4.1: 3 of 1,613,760 alleles (0.00019%); highest among the groups gnomAD compares: Admixed American, 0.0017%; no homozygotes.

Submission:

Labcorp Genetics (formerly Invitae), Labcorp
Classification: Uncertain significance. Last evaluated: 2022-07-12. Review status: criteria provided, single submitter. Criteria: Invitae Variant Classification Sherloc (09022015). Collection method: clinical testing. Allele origin: germline.
Comment: In summary, the available evidence is currently insufficient to determine the role of this variant in disease. Therefore, it has been classified as a Variant of Uncertain Significance. Algorithms developed to predict the effect of missense changes on protein structure and function (SIFT, PolyPhen-2, Align-GVGD) all suggest that this variant is likely to be tolerated. ClinVar contains an entry for this variant (Variation ID: 1466978). This variant has not been reported in the literature in individuals affected with PRPF6-related conditions. This variant is present in population databases (rs767527447, gnomAD 0.003%). This sequence change replaces glycine, which is neutral and non-polar, with aspartic acid, which is acidic and polar, at codon 498 of the PRPF6 protein (p.Gly498Asp).

NM_012469.4(PRPF6):c.1493G>A (p.Gly498Asp)

Genes: PRPF6 (pre-mRNA processing factor 6; plus strand), LOC126863089 (BRD4-independent group 4 enhancer GRCh37_chr20:62642795-62643994; plus strand). Cytogenetic location: 20q13.33.
Variant type: single nucleotide variant.
Coding change: c.1493G>A on transcript NM_012469.4 (MANE Select); coding-DNA position 1493, G replaced by A.
Protein change: p.Gly498Asp; replaces glycine 498 with aspartic acid.
Molecular consequence: missense variant.
Genome position (GRCh38, 1-based): chr20:64,011,472, G>A. VCF-style: chr20-64011472-G-A. GRCh37 (hg19) VCF-style: chr20-62642825-G-A.
Other names: short protein forms G498D.
Identifiers: ClinVar variation 1466978 (VCV001466978.8), dbSNP rs767527447, ClinGen allele CA9972194.